The following is an entry in ClinVar:

ClinVar aggregate classification (germline): Conflicting classifications of pathogenicity. Review status: criteria provided, conflicting classifications (1 of 4 stars). 3 submissions from 3 submitters: Pathogenic (1); Uncertain significance (2). Last evaluated 2023-12-01.

Conditions:
Epilepsy, idiopathic generalized, susceptibility to, 13. Also called: EPILEPSY, JUVENILE MYOCLONIC, SUSCEPTIBILITY TO, 5. Identifiers: Orphanet 307, Orphanet 64280, MedGen C4013473, MONDO:0012627, OMIM 611136.
Epilepsy, childhood absence 4 (ECA4). Also called: EPILEPSY, CHILDHOOD ABSENCE, SUSCEPTIBILITY TO, 4. Identifiers: Orphanet 307, MedGen C1970160.
Idiopathic generalized epilepsy. Also called: Generalised epilepsy; EIG. Identifiers: MedGen C0270850, MONDO:0005579, OMIM 600669.

Submissions (3):

Labcorp Genetics (formerly Invitae), Labcorp
Classification: Uncertain significance for Epilepsy, childhood absence 4; Epilepsy, idiopathic generalized, susceptibility to, 13; Idiopathic generalized epilepsy. Last evaluated: 2023-12-01. Review status: criteria provided, single submitter. Criteria: Invitae Variant Classification Sherloc (09022015). Collection method: clinical testing. Allele origin: germline.
Comment: This sequence change replaces proline, which is neutral and non-polar, with leucine, which is neutral and non-polar, at codon 59 of the GABRA1 protein (p.Pro59Leu). This variant is not present in population databases (gnomAD no frequency). This variant has not been reported in the literature in individuals affected with GABRA1-related conditions. ClinVar contains an entry for this variant (Variation ID: 423472). Advanced modeling of protein sequence and biophysical properties (such as structural, functional, and spatial information, amino acid conservation, physicochemical variation, residue mobility, and thermodynamic stability) performed at Invitae indicates that this missense variant is expected to disrupt GABRA1 protein function with a positive predictive value of 95%. In summary, the available evidence is currently insufficient to determine the role of this variant in disease. Therefore, it has been classified as a Variant of Uncertain Significance.

Uskudar University, Department of Molecular Biology and Genetics, Uskudar University
Classification: Pathogenic for Epilepsy, childhood absence 4; Epilepsy, idiopathic generalized, susceptibility to, 13; Idiopathic generalized epilepsy. Last evaluated: 2023-02-18. Review status: criteria provided, single submitter. Criteria: ACMG Guidelines, 2015. Collection method: research. Allele origin: germline.

GeneDx
Classification: Uncertain significance. Last evaluated: 2020-04-17. Review status: criteria provided, single submitter. Criteria: GeneDx Variant Classification Process June 2021. Collection method: clinical testing. Allele origin: germline. Affected: yes.
Comment: Not observed in large population cohorts (Lek et al., 2016); In silico analysis supports that this missense variant has a deleterious effect on protein structure/function; Has not been previously published as pathogenic or benign to our knowledge

Literature cited by the submitters: PubMed 37809401 (cited by Uskudar University, Department of Molecular Biology and Genetics, Uskudar University).

NM_001127644.2(GABRA1):c.176C>T (p.Pro59Leu)

Gene: GABRA1 (gamma-aminobutyric acid type A receptor subunit alpha1; plus strand). Cytogenetic location: 5q34.
Variant type: single nucleotide variant.
Coding change: c.176C>T on transcript NM_001127644.2 (MANE Select); coding-DNA position 176, C replaced by T.
Protein change: p.Pro59Leu; replaces proline 59 with leucine.
Molecular consequence: missense variant.
Genome position (GRCh38, 1-based): chr5:161,854,259, C>T. VCF-style: chr5-161854259-C-T. GRCh37 (hg19) VCF-style: chr5-161281265-C-T.
Other names: c.176C>T, p.Pro59Leu (NM_000806.5, NM_001127643.2, NM_001127645.2 and 1 more transcripts); short protein forms P59L.
Identifiers: ClinVar variation 423472 (VCV000423472.9), dbSNP rs1064796448, ClinGen allele CA16618154.